The following is an entry in ClinVar:

NM_199420.4(POLQ):c.3449C>T (p.Ala1150Val)

Gene: POLQ (DNA polymerase theta; minus strand). Cytogenetic location: 3q13.33.
Variant type: single nucleotide variant.
Coding change: c.3449C>T on transcript NM_199420.4 (MANE Select); coding-DNA position 3449, C replaced by T.
Protein change: p.Ala1150Val; replaces alanine 1150 with valine.
Molecular consequence: missense variant.
Genome position (GRCh38, 1-based): chr3:121,489,482, G>A on the plus strand (C>T on the coding strand, the complement: POLQ is on the minus strand). VCF-style: chr3-121489482-G-A. GRCh37 (hg19) VCF-style: chr3-121208329-G-A.
Other names: short protein forms A1150V.
Identifiers: ClinVar variation 1731527 (VCV001731527.2), dbSNP rs2546787387, ClinGen allele CA354099997.

ClinVar aggregate classification (germline): Uncertain significance (1 of 4 stars; one submission).

Submission:

Ambry Genetics
Classification: Uncertain significance. Last evaluated: 2022-08-30. Review status: criteria provided, single submitter. Criteria: Ambry Variant Classification Scheme 2023. Collection method: clinical testing. Allele origin: germline.
Comment: The p.A1150V variant (also known as c.3449C>T), located in coding exon 16 of the POLQ gene, results from a C to T substitution at nucleotide position 3449. The alanine at codon 1150 is replaced by valine, an amino acid with similar properties. This amino acid position is conserved. In addition, this alteration is predicted to be tolerated by in silico analysis. Since supporting evidence is limited at this time, the clinical significance of this alteration remains unclear.